The following is an entry in ClinVar:

NM_000322.5(PRPH2):c.431C>A (p.Thr144Lys)

Gene: PRPH2 (peripherin 2; minus strand). Cytogenetic location: 6p21.1.
Variant type: single nucleotide variant.
Coding change: c.431C>A on transcript NM_000322.5 (MANE Select); coding-DNA position 431, C replaced by A.
Protein change: p.Thr144Lys; replaces threonine 144 with lysine.
Molecular consequence: missense variant.
Genome position (GRCh38, 1-based): chr6:42,721,904, G>T on the plus strand (C>A on the coding strand, the complement: PRPH2 is on the minus strand). VCF-style: chr6-42721904-G-T. GRCh37 (hg19) VCF-style: chr6-42689642-G-T.
Other names: c.431C>A (NM_000322.4); short protein forms T144K.
Identifiers: ClinVar variation 1420180 (VCV001420180.9), dbSNP rs1380413370, ClinGen allele CA364137574.

ClinVar aggregate classification (germline): Uncertain significance. Review status: criteria provided, multiple submitters, no conflicts (2 of 4 stars). 4 submissions from 4 submitters: Uncertain significance (4). Last evaluated 2026-06-09.

Conditions:
Inborn genetic diseases. Identifiers: MedGen C0950123, MeSH D030342.
PRPH2-related disorder. Also called: PRPH2-related disorders; PRPH2-related condition. Identifiers: MedGen CN239395.

Allele frequency attached by ClinVar (database versions not stated): gnomAD exomes below 0.00001; gnomAD 0.00001; TOPMed 0.00001.
gnomAD v4.1: 2 of 1,614,076 alleles (0.00012%); highest among the groups gnomAD compares: African/African-American, 0.0027%; no homozygotes.

Submissions (4):

Ambry Genetics
Classification: Uncertain significance for Inborn genetic diseases. Last evaluated: 2026-06-09. Review status: criteria provided, single submitter. Criteria: Ambry Variant Classification Scheme 2023. Collection method: clinical testing. Allele origin: germline.

Labcorp Genetics (formerly Invitae), Labcorp
Classification: Uncertain significance for PRPH2-related disorder. Last evaluated: 2025-09-19. Review status: criteria provided, single submitter. Criteria: Invitae Variant Classification Sherloc (09022015). Collection method: clinical testing. Allele origin: germline.
Comment: This sequence change replaces threonine, which is neutral and polar, with lysine, which is basic and polar, at codon 144 of the PRPH2 protein (p.Thr144Lys). This variant is present in population databases (no rsID available, gnomAD 0.007%). This variant has not been reported in the literature in individuals affected with PRPH2-related conditions. ClinVar contains an entry for this variant (Variation ID: 1420180). Invitae Evidence Modeling of protein sequence and biophysical properties (such as structural, functional, and spatial information, amino acid conservation, physicochemical variation, residue mobility, and thermodynamic stability) indicates that this missense variant is expected to disrupt PRPH2 protein function with a positive predictive value of 95%. In summary, the available evidence is currently insufficient to determine the role of this variant in disease. Therefore, it has been classified as a Variant of Uncertain Significance.

Revvity Omics, Revvity
Classification: Uncertain significance. Last evaluated: 2025-01-08. Review status: criteria provided, single submitter. Criteria: ACMG Guidelines, 2015. Collection method: clinical testing. Allele origin: germline.

Blueprint Genetics
Classification: Uncertain significance. Last evaluated: 2024-02-20. Review status: criteria provided, single submitter. Criteria: ACMG Guidelines, 2015. Collection method: clinical testing. Allele origin: germline.